The following is an entry in ClinVar:

NM_015338.6(ASXL1):c.2101C>G (p.Pro701Ala)

Gene: ASXL1 (ASXL transcriptional regulator 1; plus strand). Cytogenetic location: 20q11.21.
Variant type: single nucleotide variant.
Coding change: c.2101C>G on transcript NM_015338.6 (MANE Select); coding-DNA position 2101, C replaced by G.
Protein change: p.Pro701Ala; replaces proline 701 with alanine.
Molecular consequence: missense variant.
Genome position (GRCh38, 1-based): chr20:32,434,813, C>G. VCF-style: chr20-32434813-C-G. GRCh37 (hg19) VCF-style: chr20-31022616-C-G.
Other names: c.1918C>G, p.Pro640Ala (NM_001363734.1); short protein forms P640A, P701A.
Identifiers: ClinVar variation 4827390 (VCV004827390.1).

ClinVar aggregate classification (germline): Uncertain significance (1 of 4 stars; one submission).

Conditions:
Inborn genetic diseases. Identifiers: MedGen C0950123, MeSH D030342.

Submission:

Ambry Genetics
Classification: Uncertain significance for Inborn genetic diseases. Last evaluated: 2026-02-28. Review status: criteria provided, single submitter. Criteria: Ambry Variant Classification Scheme 2023. Collection method: clinical testing. Allele origin: germline.
Comment: The p.P701A variant (also known as c.2101C>G), located in coding exon 13 of the ASXL1 gene, results from a C to G substitution at nucleotide position 2101. The proline at codon 701 is replaced by alanine, an amino acid with highly similar properties. This amino acid position is conserved. In addition, this alteration is predicted to be tolerated by in silico analysis. Based on the available evidence, the clinical significance of this variant remains unclear.